The following is an entry in ClinVar:

NM_006206.6(PDGFRA):c.581A>C (p.Lys194Thr)

Gene: PDGFRA (platelet derived growth factor receptor alpha; plus strand). Cytogenetic location: 4q12.
Variant type: single nucleotide variant.
Coding change: c.581A>C on transcript NM_006206.6 (MANE Select); coding-DNA position 581, A replaced by C.
Protein change: p.Lys194Thr; replaces lysine 194 with threonine.
Molecular consequence: missense variant.
Genome position (GRCh38, 1-based): chr4:54,263,880, A>C. VCF-style: chr4-54263880-A-C. GRCh37 (hg19) VCF-style: chr4-55130047-A-C.
Other names: c.581A>C, p.Lys194Thr (NM_001347827.2, NM_001347829.2); c.656A>C, p.Lys219Thr (NM_001347828.2); c.620A>C, p.Lys207Thr (NM_001347830.2); short protein forms K194T, K207T, K219T.
Identifiers: ClinVar variation 4731188 (VCV004731188.1).
Genomic context (GRCh38, chr4:54,263,880, plus strand): 5'-GCAGACAGGGCTTTAATGGGACCTTCACTGTAGGGCCCTATATCTGTGAGGCCACCGTCA[A>C]AGGAAAGAAGTTCCAGACCATCCCATTTAATGTTTATGCTTTAAAAGGTACTTGTATCAT-3'
Protein context (NP_006197.1, residues 184-204): VGPYICEATV[Lys194Thr]GKKFQTIPFN

ClinVar aggregate classification (germline): Uncertain significance (1 of 4 stars; one submission).

Conditions:
Gastrointestinal stromal tumor. Also called: Gastrointestinal stromal tumor, somatic; Gastrointestinal stroma tumor. Identifiers: Orphanet 44890, MedGen C0238198, MeSH D046152, MONDO:0011719, OMIM 606764, HP:0100723.

Submission:

Labcorp Genetics (formerly Invitae), Labcorp
Classification: Uncertain significance for Gastrointestinal stromal tumor. Last evaluated: 2025-06-11. Review status: criteria provided, single submitter. Criteria: Invitae Variant Classification Sherloc (09022015). Collection method: clinical testing. Allele origin: germline.
Comment: This sequence change replaces lysine, which is basic and polar, with threonine, which is neutral and polar, at codon 194 of the PDGFRA protein (p.Lys194Thr). This variant is not present in population databases (gnomAD no frequency). This variant has not been reported in the literature in individuals affected with PDGFRA-related conditions. Invitae Evidence Modeling of protein sequence and biophysical properties (such as structural, functional, and spatial information, amino acid conservation, physicochemical variation, residue mobility, and thermodynamic stability) indicates that this missense variant is not expected to disrupt PDGFRA protein function with a negative predictive value of 80%. In summary, the available evidence is currently insufficient to determine the role of this variant in disease. Therefore, it has been classified as a Variant of Uncertain Significance.